The following is an entry in ClinVar:

ClinVar aggregate classification (germline): Uncertain significance (1 of 4 stars; one submission).

Conditions:
Inherited obesity. Also called: Monogenic Obesity. Identifiers: Orphanet 77828, MedGen C4054476, MONDO:0019182, OMIM 601665.

Submission:

Illumina Laboratory Services, Illumina
Classification: Uncertain significance for Inherited obesity. Last evaluated: 2021-10-28. Review status: criteria provided, single submitter. Criteria: ICSLVariantClassificationCriteria RUGD 01 April 2020. Collection method: clinical testing. Allele origin: unknown.
Comment: The MC4R c.549G>C (p.Leu183Phe) variant is a missense variant. A literature search was performed for the gene, cDNA change, and amino acid change. No publications were found based on this search. This variant is not found in version 2.1.1 or version 3.1.2 of the Genome Aggregation Database despite its location in a region of good sequencing coverage, which suggests the variant is rare. This variant lies within the fourth transmembrane domain of the protein, which is critical for binding agouti-related protein, an antagonist of MC4R that is necessary for the hypothalamic control of feeding behavior (Yang et al. 2003). Based on the available evidence, the p.Leu183Phe variant is classified as a variant of uncertain significance for MC4R-related monogenic obesity.

Literature cited by the submitters: PubMed 12815165.

NM_005912.3(MC4R):c.549G>C (p.Leu183Phe)

Gene: MC4R (melanocortin 4 receptor; minus strand). Cytogenetic location: 18q21.32.
Variant type: single nucleotide variant.
Coding change: c.549G>C on transcript NM_005912.3 (MANE Select); coding-DNA position 549, G replaced by C.
Protein change: p.Leu183Phe; replaces leucine 183 with phenylalanine.
Molecular consequence: missense variant.
Genome position (GRCh38, 1-based): chr18:60,371,801, C>G on the plus strand (G>C on the coding strand, the complement: MC4R is on the minus strand). VCF-style: chr18-60371801-C-G. GRCh37 (hg19) VCF-style: chr18-58039034-C-G.
Other names: short protein forms L183F.
Identifiers: ClinVar variation 1328154 (VCV001328154.4), dbSNP rs2143966570, ClinGen allele CA402719580.